The following is an entry in ClinVar:

ClinVar aggregate classification (germline): Uncertain significance (1 of 4 stars; one submission).

Conditions:
Epidermolysis bullosa simplex 3, localized or generalized intermediate, with BP230 deficiency (EBS3). Also called: Epidermolysis bullosa simplex, autosomal recessive 2; Epidermolysis bullosa simplex due to BP230 deficiency. Identifiers: Orphanet 412181, MedGen C3809470, MONDO:0014180, OMIM 615425.
Hereditary sensory and autonomic neuropathy type 6. Also called: Neuropathy, hereditary sensory and autonomic, type VI; HSAN VI. Identifiers: Orphanet 314381, MedGen C3539003, MONDO:0013839, OMIM 614653.

Allele frequency attached by ClinVar (database versions not stated): gnomAD exomes below 0.00001; ExAC 0.00001; gnomAD 0.00001; TOPMed 0.00001.
gnomAD v4.1: 1 of 1,614,046 alleles (0.000062%); highest among the groups gnomAD compares: African/African-American, 0.0013%; no homozygotes.

Submission:

Labcorp Genetics (formerly Invitae), Labcorp
Classification: Uncertain significance for Epidermolysis bullosa simplex 3, localized or generalized intermediate, with BP230 deficiency; Hereditary sensory and autonomic neuropathy type 6. Last evaluated: 2020-02-14. Review status: criteria provided, single submitter. Criteria: Invitae Variant Classification Sherloc (09022015). Collection method: clinical testing. Allele origin: germline.
Comment: This sequence change replaces lysine with glutamic acid at codon 170 of the DST protein (p.Lys170Glu). The lysine residue is highly conserved and there is a small physicochemical difference between lysine and glutamic acid. This variant is present in population databases (rs769832096, ExAC 0.01%). This variant has not been reported in the literature in individuals with DST-related conditions. Algorithms developed to predict the effect of missense changes on protein structure and function (SIFT, PolyPhen-2, Align-GVGD) all suggest that this variant is likely to be disruptive, but these predictions have not been confirmed by published functional studies and their clinical significance is uncertain. In summary, the available evidence is currently insufficient to determine the role of this variant in disease. Therefore, it has been classified as a Variant of Uncertain Significance.

NM_001374736.1(DST):c.2119A>G (p.Lys707Glu)

Gene: DST (dystonin; minus strand). Cytogenetic location: 6p12.1.
Variant type: single nucleotide variant.
Coding change: c.2119A>G on transcript NM_001374736.1 (MANE Select); coding-DNA position 2119, A replaced by G.
Protein change: p.Lys707Glu; replaces lysine 707 with glutamic acid.
Molecular consequence: missense variant.
Genome position (GRCh38, 1-based): chr6:56,640,514, T>C on the plus strand (A>G on the coding strand, the complement: DST is on the minus strand). VCF-style: chr6-56640514-T-C. GRCh37 (hg19) VCF-style: chr6-56505312-T-C.
Other names: c.2020A>G, p.Lys674Glu (NM_001144769.5); c.1606A>G, p.Lys536Glu (NM_001144770.2); c.2119A>G, p.Lys707Glu (NM_001374722.1); c.1486A>G, p.Lys496Glu (NM_001374729.1, NM_001374730.1, NM_001386100.1 and 1 more transcripts); c.2146A>G, p.Lys716Glu (NM_001374734.1); c.508A>G, p.Lys170Glu (NM_001723.7, NM_015548.5); short protein forms K170E, K496E, K536E, K707E, K716E, K674E.
Identifiers: ClinVar variation 963949 (VCV000963949.10), dbSNP rs769832096, ClinGen allele CA3871476.